The following is an entry in ClinVar:

ClinVar aggregate classification (germline): Uncertain significance. Review status: criteria provided, multiple submitters, no conflicts (2 of 4 stars). 3 submissions from 3 submitters: Uncertain significance (3). Last evaluated 2024-03-08.

Conditions:
Hypertrophic cardiomyopathy. Also called: HYPERTROPHIC MYOCARDIOPATHY. Identifiers: Orphanet 217569, MedGen C0007194, MeSH D002312, MONDO:0005045, HP:0001639.
Cardiomyopathy (CMYO). Also called: Cardiomyopathies. Identifiers: Orphanet 167848, MedGen C0878544, MONDO:0004994, HP:0001638. Inheritance: Various modes of inheritance.
Lethal congenital glycogen storage disease of heart. Also called: GLYCOGEN STORAGE DISEASE OF HEART; PHOSPHORYLASE KINASE DEFICIENCY OF HEART. Identifiers: Orphanet 439854, MedGen C1849813, MONDO:0009867, OMIM 261740.

Allele frequency attached by ClinVar (database versions not stated): gnomAD exomes 0.00002; ExAC 0.00005.
gnomAD v4.1: 11 of 1,611,528 alleles (0.00068%); highest among the groups gnomAD compares: Admixed American, 0.0017%; no homozygotes.

Submissions (3):

Labcorp Genetics (formerly Invitae), Labcorp
Classification: Uncertain significance for Lethal congenital glycogen storage disease of heart. Last evaluated: 2024-03-08. Review status: criteria provided, single submitter. Criteria: Invitae Variant Classification Sherloc (09022015). Collection method: clinical testing. Allele origin: germline.
Comment: This sequence change creates a premature translational stop signal (p.Arg61*) in the PRKAG2 gene. It is expected to result in an absent or disrupted protein product. However, the current clinical and genetic evidence is not sufficient to establish whether loss-of-function variants in PRKAG2 cause disease. This variant is present in population databases (rs770100112, gnomAD 0.004%). This variant has not been reported in the literature in individuals affected with PRKAG2-related conditions. ClinVar contains an entry for this variant (Variation ID: 925356). In summary, the available evidence is currently insufficient to determine the role of this variant in disease. Therefore, it has been classified as a Variant of Uncertain Significance.

All of Us Research Program, National Institutes of Health
Classification: Uncertain significance for Hypertrophic cardiomyopathy. Last evaluated: 2023-04-10. Review status: criteria provided, single submitter. Criteria: ACMG Guidelines, 2015. Collection method: clinical testing. Allele origin: germline. Inheritance: Autosomal dominant inheritance. Observed: 1 variant allele, 1 heterozygote.
Comment: This variant changes 1 nucleotide in exon 2 of the PRKAG2 gene, creating a premature translation stop signal. This variant is expected to result in an absent or non-functional protein product. Computational splicing tools suggest that this variant may not impact RNA splicing. To our knowledge, functional assays have not been performed for this variant nor has this variant been reported in individuals affected with cardiovascular disorders in the literature. This variant has been identified in 4/246818 chromosomes in the general population by the Genome Aggregation Database (gnomAD). Clinical significance of loss-of-function truncation variants in the PRKAG2 gene is not clearly established. Available evidence is insufficient to determine the role of this variant in disease conclusively. Therefore, this variant is classified as a Variant of Uncertain Significance.

This study involves interpretation of variants in research participants for the purpose of population health screening. Participant phenotype was not available at the time of variant classification. Additional details can be found in publication PMID: 35346344, PMCID: PMC8962531

Color Diagnostics, LLC DBA Color Health
Classification: Uncertain significance for Cardiomyopathy. Last evaluated: 2023-03-29. Review status: criteria provided, single submitter. Criteria: ACMG Guidelines, 2015. Collection method: clinical testing. Allele origin: germline.
Comment: This variant changes 1 nucleotide in exon 2 of the PRKAG2 gene, creating a premature translation stop signal. This variant is expected to result in an absent or non-functional protein product. To our knowledge, this variant has not been reported in individuals affected with PRKAG2-related disorders in the literature. This variant has been identified in 4/246818 chromosomes in the general population by the Genome Aggregation Database (gnomAD). Clinical relevance of loss-of-function PRKAG2 truncation variants in autosomal dominant cardiovascular disorders is not clearly established. The available evidence is insufficient to determine the role of this variant in disease conclusively. Therefore, this variant is classified as a Variant of Uncertain Significance.

NM_016203.4(PRKAG2):c.181C>T (p.Arg61Ter)

Gene: PRKAG2 (protein kinase AMP-activated non-catalytic subunit gamma 2; minus strand). Cytogenetic location: 7q36.1.
Variant type: single nucleotide variant.
Coding change: c.181C>T on transcript NM_016203.4 (MANE Select); coding-DNA position 181, C replaced by T.
Protein change: p.Arg61Ter; replaces arginine 61 with a stop codon.
Molecular consequence: nonsense.
Genome position (GRCh38, 1-based): chr7:151,786,475, G>A on the plus strand (C>T on the coding strand, the complement: PRKAG2 is on the minus strand). VCF-style: chr7-151786475-G-A. GRCh37 (hg19) VCF-style: chr7-151483561-G-A.
Other names: c.49C>T, p.Arg17Ter (NM_001040633.2); short protein forms R17*, R61*.
Identifiers: ClinVar variation 925356 (VCV000925356.11), dbSNP rs770100112, ClinGen allele CA056261.
Genomic context (GRCh38, chr7:151,786,475, plus strand): 5'-TGCCTCCGTGGCACCTCAAGTGAGCTGTGAGAAACTTCTGGAAAGGAGGTCTTACCTTTC[G>A]AGAGGAATGCTTTCCGGAACCCTCCAGGTCTCCGTCCAGGAGCGGCATGGCGAAGGAGCT-3'